The following is an entry in ClinVar:

NM_020699.4(GATAD2B):c.252del (p.Arg84fs)

Gene: GATAD2B (GATA zinc finger domain containing 2B; minus strand). Cytogenetic location: 1q21.3.
Variant type: Deletion.
Coding change: c.252del on transcript NM_020699.4 (MANE Select); coding-DNA position 252, one base deleted (G; older notation c.252delG).
Protein change: p.Arg84fs; shifts the reading frame from arginine 84.
Molecular consequence: frameshift variant.
Genome position (GRCh38, 1-based): chr1:153,828,096, C deleted on the plus strand (G on the coding strand, the reverse complement: GATAD2B is on the minus strand); the first of 2 consecutive C bases (chr1:153,828,096-153,828,097); deleting either gives the same sequence. VCF-style (leftmost placement, unchanged base first): chr1-153828095-GC-G. GRCh37 (hg19) VCF-style: chr1-153800571-GC-G.
Other names: short protein forms R84fs.
Identifiers: ClinVar variation 817388 (VCV000817388.1), dbSNP rs1570937961, ClinGen allele CA915941436.
Genomic context (GRCh38, chr1:153,828,095, plus strand): 5'-CAGGCTCATCATTGATGTTTTCTTTGCCTGGCCTTCCAGCAGTCCTGTTGTCTCCATGAG[GC>G]CTGAGATTCCCGTTAAGTTTTTCTTCATAGCCCTTGACACCACTGCCATCCTGTTTGGTG-3'

ClinVar aggregate classification (germline): Pathogenic (1 of 4 stars; one submission).

Submission:

GeneDx
Classification: Pathogenic. Last evaluated: 2019-01-11. Review status: criteria provided, single submitter. Criteria: GeneDx Variant Classification (06012015). Collection method: clinical testing. Allele origin: germline. Affected: yes.
Comment: The c.252delG variant in the GATAD2B gene has not been reported previously as a pathogenic variant nor as a benign variant, to our knowledge. The c.252delG variant causes a frameshift starting with codon Arginine 84, changes this amino acid to a Serine residue, and creates a premature Stop codon at position 24 of the new reading frame, denoted p.Arg84SerfsX24. This variant is predicted to cause loss of normal protein function either through protein truncation or nonsense-mediated mRNA decay. The c.252delG variant is not observed in large population cohorts (Lek et al., 2016). We interpret c.252delG as a pathogenic variant.